The following is an entry in ClinVar:

NM_004408.4(DNM1):c.292C>T (p.Arg98Cys)

Genes: DNM1 (dynamin 1; plus strand), LOC113839516 (Sharpr-MPRA regulatory region 8497; plus strand). Cytogenetic location: 9q34.11.
Variant type: single nucleotide variant.
Coding change: c.292C>T on transcript NM_004408.4 (MANE Select); coding-DNA position 292, C replaced by T.
Protein change: p.Arg98Cys; replaces arginine 98 with cysteine.
Molecular consequence: missense variant.
Genome position (GRCh38, 1-based): chr9:128,218,638, C>T. VCF-style: chr9-128218638-C-T. GRCh37 (hg19) VCF-style: chr9-130980917-C-T.
Other names: c.292C>T, p.Arg98Cys (NM_001005336.3, NM_001288737.2, NM_001288738.2 and 2 more transcripts); short protein forms R98C.
Identifiers: ClinVar variation 1703398 (VCV001703398.7), dbSNP rs1206732749, ClinGen allele CA375010626.

ClinVar aggregate classification (germline): Uncertain significance. Review status: criteria provided, multiple submitters, no conflicts (2 of 4 stars). 2 submissions from 2 submitters: Uncertain significance (2). Last evaluated 2023-07-17.

Conditions:
Developmental and epileptic encephalopathy, 31A. Also called: Developmental and epileptic encephalopathy, 31; Epileptic encephalopathy, early infantile, 31. Identifiers: Orphanet 2382, MedGen C4225357, MONDO:0014598, OMIM 616346.

Submissions (2):

Labcorp Genetics (formerly Invitae), Labcorp
Classification: Uncertain significance for Developmental and epileptic encephalopathy, 31A. Last evaluated: 2023-07-17. Review status: criteria provided, single submitter. Criteria: Invitae Variant Classification Sherloc (09022015). Collection method: clinical testing. Allele origin: germline.
Comment: In summary, the available evidence is currently insufficient to determine the role of this variant in disease. Therefore, it has been classified as a Variant of Uncertain Significance. Advanced modeling of protein sequence and biophysical properties (such as structural, functional, and spatial information, amino acid conservation, physicochemical variation, residue mobility, and thermodynamic stability) performed at Invitae indicates that this missense variant is not expected to disrupt DNM1 protein function. ClinVar contains an entry for this variant (Variation ID: 1703398). This variant has not been reported in the literature in individuals affected with DNM1-related conditions. This variant is not present in population databases (gnomAD no frequency). This sequence change replaces arginine, which is basic and polar, with cysteine, which is neutral and slightly polar, at codon 98 of the DNM1 protein (p.Arg98Cys).

GeneDx
Classification: Uncertain significance. Last evaluated: 2022-02-23. Review status: criteria provided, single submitter. Criteria: GeneDx Variant Classification Process June 2021. Collection method: clinical testing. Allele origin: germline. Affected: yes.
Comment: Not observed at significant frequency in large population cohorts (gnomAD); In silico analysis supports that this missense variant has a deleterious effect on protein structure/function; Has not been previously published as pathogenic or benign to our knowledge